The following is an entry in ClinVar:

ClinVar aggregate classification (germline): Benign. Review status: criteria provided, multiple submitters, no conflicts (2 of 4 stars). 6 submissions from 6 submitters: Benign (6). Last evaluated 2026-02-04.

Conditions:
Bardet-Biedl syndrome (BBS). Identifiers: Orphanet 110, MedGen C0752166, MONDO:0015229.
Bardet-Biedl syndrome 9 (BBS9). Identifiers: Orphanet 110, MedGen C1859567, MONDO:0014437, OMIM 615986.

Allele frequency attached by ClinVar (database versions not stated): gnomAD 0.03520 and 0.03438; ESP Exome Variant Server 0.03691; gnomAD exomes 0.03925 and 0.04576; ExAC 0.04285; 1000 Genomes Project 30x 0.01889; 1000 Genomes Project 0.01897; TOPMed 0.03192.
gnomAD v4.1: 71,710 of 1,610,002 alleles (4.5%); highest among the groups gnomAD compares: Non-Finnish European, 5%; 1,895 homozygotes.

Submissions (6):

Labcorp Genetics (formerly Invitae), Labcorp
Classification: Benign for Bardet-Biedl syndrome. Last evaluated: 2026-02-04. Review status: criteria provided, single submitter. Criteria: Invitae Variant Classification Sherloc (09022015). Collection method: clinical testing. Allele origin: germline.

Blueprint Genetics
Classification: Benign. Last evaluated: 2024-11-27. Review status: criteria provided, single submitter. Criteria: ACMG Guidelines, 2015. Collection method: clinical testing. Allele origin: germline.

Mayo Clinic Laboratories, Mayo Clinic
Classification: Benign. Last evaluated: 2022-03-09. Review status: criteria provided, single submitter. Criteria: ACMG Guidelines, 2015. Collection method: clinical testing. Allele origin: germline. Observed: 9 variant alleles.

GeneDx
Classification: Benign. Last evaluated: 2021-06-09. Review status: criteria provided, single submitter. Criteria: GeneDx Variant Classification Process June 2021. Collection method: clinical testing. Allele origin: germline. Affected: yes.

Illumina Laboratory Services, Illumina
Classification: Benign for Bardet-Biedl syndrome 9. Last evaluated: 2018-01-12. Review status: criteria provided, single submitter. Criteria: ICSL Variant Classification Criteria 13 December 2019. Collection method: clinical testing. Allele origin: germline.
Comment: This variant was observed in the ICSL laboratory as part of a predisposition screen in an ostensibly healthy population. It had not been previously curated by ICSL or reported in the Human Gene Mutation Database (HGMD: prior to June 1st, 2018), and was therefore a candidate for classification through an automated scoring system. Utilizing variant allele frequency, disease prevalence and penetrance estimates, and inheritance mode, an automated score was calculated to assess if this variant is too frequent to cause the disease. Based on the score and internal cut-off values, a variant classified as benign is not then subjected to further curation. The score for this variant resulted in a classification of benign for this disease.

PreventionGenetics, part of Exact Sciences
Classification: Benign. Review status: criteria provided, single submitter. Criteria: ACMG Guidelines, 2015. Collection method: clinical testing. Allele origin: germline.

NM_198428.3(BBS9):c.1017-6T>C

Gene: BBS9 (Bardet-Biedl syndrome 9; plus strand). Cytogenetic location: 7p14.3.
Variant type: single nucleotide variant.
Coding change: c.1017-6T>C on transcript NM_198428.3 (MANE Select); 6 bases into the intron before coding-DNA position 1017, T replaced by C.
Molecular consequence: intron variant.
Genome position (GRCh38, 1-based): chr7:33,336,435, T>C. VCF-style: chr7-33336435-T-C. GRCh37 (hg19) VCF-style: chr7-33376047-T-C.
Other names: p.?; c.1017-6T>C (NM_001348036.1, NM_001362679.1, NM_001348041.4 and 5 more transcripts); c.744-6T>C (NM_001348038.3, NM_001348039.3); c.651-6T>C (NM_001348037.3, NM_001348045.3, NM_001348046.3 and 1 more transcripts); c.882-6T>C (NM_001348042.3).
Identifiers: ClinVar variation 263111 (VCV000263111.20), dbSNP rs61756571, ClinGen allele CA4214179.
Genomic context (GRCh38, chr7:33,336,435, plus strand): 5'-GTAGTTGGTCAAGACTAACTCTACTGAAATTTAAAATTATGTCTCATTTTCTCTTCCTTA[T>C]TGTAGTGATTTAAAGGGAGTGATAGTCACTCTGAGTGATGATGGTCACTTGCAGTGTTCA-3'